The following is an entry in ClinVar:

NM_001009944.3(PKD1):c.9331T>A (p.Phe3111Ile)

Gene: PKD1 (polycystin 1, transient receptor potential channel interacting; minus strand). Cytogenetic location: 16p13.3.
Variant type: single nucleotide variant.
Coding change: c.9331T>A on transcript NM_001009944.3 (MANE Select); coding-DNA position 9331, T replaced by A.
Protein change: p.Phe3111Ile; replaces phenylalanine 3111 with isoleucine.
Molecular consequence: missense variant.
Genome position (GRCh38, 1-based): chr16:2,102,127, A>T on the plus strand (T>A on the coding strand, the complement: PKD1 is on the minus strand). VCF-style: chr16-2102127-A-T. GRCh37 (hg19) VCF-style: chr16-2152128-A-T.
Other names: c.9331T>A, p.Phe3111Ile (NM_000296.4); short protein forms F3111I.
Identifiers: ClinVar variation 1687629 (VCV001687629.1), dbSNP rs767845814, ClinGen allele CA7830134.

ClinVar aggregate classification (germline): Uncertain significance (0 of 4 stars; one submission).

Conditions:
Polycystic kidney disease, adult type (PKD1). Also called: POLYCYSTIC KIDNEY DISEASE, ADULT, TYPE I; Polycystic Kidney, Autosomal Dominant; POLYCYSTIC KIDNEY DISEASE 1 WITH OR WITHOUT POLYCYSTIC LIVER DISEASE; Polycystic Kidney Disease 1, Autosomal Dominant; Polycystic kidney disease 1; Polycystic kidney disease 1, severe. Identifiers: MedGen C3149841, MONDO:0008263, OMIM 173900.

Allele frequency attached by ClinVar (database versions not stated): gnomAD exomes below 0.00001; ExAC 0.00001.
gnomAD v4.1: 1 of 1,569,746 alleles (0.000064%); highest among the groups gnomAD compares: East Asian, 0.0022%; no homozygotes.

Submission:

Laboratory of Nephrology, Qingdao Municipal Hospital
Classification: Uncertain significance for Polycystic kidney disease, adult type. Last evaluated: 2021-10-15. Review status: no assertion criteria provided. Collection method: clinical testing. Allele origin: maternal. Inheritance: Autosomal dominant inheritance. Observed: 1 heterozygote.

Literature cited by the submitters: PubMed 30093605.